The following is an entry in ClinVar:

ClinVar aggregate classification (germline): Uncertain significance. Review status: criteria provided, multiple submitters, no conflicts (2 of 4 stars). 2 submissions from 2 submitters: Uncertain significance (2). Last evaluated 2025-09-05.

Conditions:
POLD1-related polyposis and colorectal cancer syndrome (CRCS10). Also called: Colorectal cancer, susceptibility to, 10; Colorectal cancer 10; COLORECTAL CANCER, SUSCEPTIBILITY TO, ON CHROMOSOME 19q. Identifiers: Orphanet 220460, MedGen C2675481, MONDO:0012953, OMIM 612591.
Hereditary cancer-predisposing syndrome. Also called: Neoplastic Syndromes, Hereditary; Hereditary neoplastic syndrome; Hereditary Cancer Syndrome; Tumor predisposition. Identifiers: Orphanet 140162, MedGen C0027672, MeSH D009386, MONDO:0015356.

Submissions (2):

Ambry Genetics
Classification: Uncertain significance for Hereditary cancer-predisposing syndrome. Last evaluated: 2025-09-05. Review status: criteria provided, single submitter. Criteria: Ambry Variant Classification Scheme 2023. Collection method: clinical testing. Allele origin: germline.
Comment: The c.464-5_466delACCAGGTT variant results from a deletion of 8 nucleotides at positions c.466 to c.464-5 and involves the canonical splice acceptor site before coding exon 4 of the POLD1 gene. The canonical splice acceptor site is highly conserved in available vertebrate species. In silico splice site analysis predicts that this alteration will weaken the native splice acceptor site; however, the exact impact of this alteration on POLD1 splicing and function is currently unknown. Alterations that disrupt the canonical splice site are expected to cause aberrant splicing, resulting in an abnormal protein or a transcript that is subject to nonsense-mediated mRNA decay. However, loss of function has not been established as a mechanism of disease. Based on the available evidence, the clinical significance of this alteration remains unclear.

Labcorp Genetics (formerly Invitae), Labcorp
Classification: Uncertain significance for POLD1-related polyposis and colorectal cancer syndrome. Last evaluated: 2020-03-11. Review status: criteria provided, single submitter. Criteria: Invitae Variant Classification Sherloc (09022015). Collection method: clinical testing. Allele origin: germline.
Comment: Missense variants that disrupt the 3'-5' exonuclease (proof-reading) activity of the POLD1 protein, are associated with an increased risk for colonic adenomatous polyps and colon cancer (PMID: 23263490, 23447401). However loss-of-function variants, which result in an absent or severely disrupted POLD1 protein, and missense variants outside the exonuclease domain are unlikely to be associated with polyposis or colon cancer. Without further clinical and genetic evidence, this variant has been classified as a Variant of Uncertain Significance. This variant has not been reported in the literature in individuals with POLD1-related conditions. ClinVar contains an entry for this variant (Variation ID: 407958). This variant is not present in population databases (ExAC no frequency). This sequence change affects an acceptor splice site in intron 4 of the POLD1 gene. It is expected to disrupt RNA splicing and likely results in an absent or disrupted protein product.

Literature cited by the submitters: PubMed 23263490 (cited by Labcorp Genetics (formerly Invitae), Labcorp); PubMed 23447401 (cited by Labcorp Genetics (formerly Invitae), Labcorp).

NM_002691.4(POLD1):c.464-5_466del

Gene: POLD1 (DNA polymerase delta 1, catalytic subunit; plus strand). Cytogenetic location: 19q13.33.
Variant type: Deletion.
Coding change: c.464-5_466del on transcript NM_002691.4 (MANE Select); 5 bases into the intron before coding-DNA position 464 through coding-DNA position 466, 8 bases deleted (ACCAGGTT; older notation c.464-5_466delACCAGGTT).
Molecular consequence: splice acceptor variant.
Genome position (GRCh38, 1-based): chr19:50,401,994-50,402,001, ACCAGGTT deleted. VCF-style (leftmost placement, unchanged base first): chr19-50401993-CACCAGGTT-C. GRCh37 (hg19) VCF-style: chr19-50905250-CACCAGGTT-C.
Other names: c.464-5_466del (NM_001256849.1, NM_001308632.1, LRG_785t2 and 1 more transcripts); c.464-5_466delACCAGGTT (NM_002691.2).
Identifiers: ClinVar variation 407958 (VCV000407958.8), dbSNP rs1060501803, ClinGen allele CA16616113.